The following is an entry in ClinVar:

ClinVar aggregate classification (germline): Pathogenic (1 of 4 stars; one submission).

Conditions:
Deficiency of ferroxidase (ACEP). Also called: Aceruloplasminemia; NEURODEGENERATION WITH BRAIN IRON ACCUMULATION 10; Ceruloplasmin deficiency; Familial apoceruloplasmin deficiency; Hereditary ceruloplasmin deficiency; Deficiency of ceruloplasmin. Identifiers: Orphanet 48818, MedGen C0878682, MONDO:0011426, OMIM 604290, HP:0025498.

Submission:

Labcorp Genetics (formerly Invitae), Labcorp
Classification: Pathogenic for Deficiency of ferroxidase. Last evaluated: 2024-09-21. Review status: criteria provided, single submitter. Criteria: Invitae Variant Classification Sherloc (09022015). Collection method: clinical testing. Allele origin: germline.
Comment: This sequence change creates a premature translational stop signal (p.Val105Phefs*5) in the CP gene. It is expected to result in an absent or disrupted protein product. Loss-of-function variants in CP are known to be pathogenic (PMID: 16629161). This variant is not present in population databases (gnomAD no frequency). This variant has not been reported in the literature in individuals affected with CP-related conditions. Algorithms developed to predict the effect of sequence changes on RNA splicing suggest that this variant may disrupt the consensus splice site. For these reasons, this variant has been classified as Pathogenic.

Literature cited by the submitters: PubMed 16629161.

NM_000096.4(CP):c.313del (p.Val105fs)

Gene: CP (ceruloplasmin; minus strand). Cytogenetic location: 3q25.1.
Variant type: Deletion.
Coding change: c.313del on transcript NM_000096.4 (MANE Select); coding-DNA position 313, one base deleted (G; older notation c.313delG).
Protein change: p.Val105fs; shifts the reading frame from valine 105.
Molecular consequence: frameshift variant. On other transcripts: non-coding transcript variant (1).
Genome position (GRCh38, 1-based): chr3:149,212,532, C deleted on the plus strand (G on the coding strand, the reverse complement: CP is on the minus strand). VCF-style (leftmost placement, unchanged base first): chr3-149212531-AC-A. GRCh37 (hg19) VCF-style: chr3-148930318-AC-A.
Other names: short protein forms V105fs.
Identifiers: ClinVar variation 3620110 (VCV003620110.2).